The following is an entry in ClinVar:

ClinVar aggregate classification (germline): Uncertain significance (1 of 4 stars; one submission).

Conditions:
Inborn genetic diseases. Identifiers: MedGen C0950123, MeSH D030342.

Submission:

Ambry Genetics
Classification: Uncertain significance for Inborn genetic diseases. Last evaluated: 2021-07-24. Review status: criteria provided, single submitter. Criteria: Ambry Variant Classification Scheme 2023. Collection method: clinical testing. Allele origin: germline.
Comment: The p.E313K variant (also known as c.937G>A), located in coding exon 10 of the ERCC2 gene, results from a G to A substitution at nucleotide position 937. The glutamic acid at codon 313 is replaced by lysine, an amino acid with similar properties. This amino acid position is conserved. In addition, the in silico prediction for this alteration is inconclusive. Since supporting evidence is limited at this time, the clinical significance of this alteration remains unclear.

NM_000400.4(ERCC2):c.937G>A (p.Glu313Lys)

Gene: ERCC2 (ERCC excision repair 2, TFIIH core complex helicase subunit; minus strand). Cytogenetic location: 19q13.32.
Variant type: single nucleotide variant.
Coding change: c.937G>A on transcript NM_000400.4 (MANE Select); coding-DNA position 937, G replaced by A.
Protein change: p.Glu313Lys; replaces glutamic acid 313 with lysine.
Molecular consequence: missense variant.
Genome position (GRCh38, 1-based): chr19:45,363,998, C>T on the plus strand (G>A on the coding strand, the complement: ERCC2 is on the minus strand). VCF-style: chr19-45363998-C-T. GRCh37 (hg19) VCF-style: chr19-45867256-C-T.
Other names: c.865G>A, p.Glu289Lys (NM_001130867.2); short protein forms E289K, E313K.
Identifiers: ClinVar variation 1766742 (VCV001766742.2), dbSNP rs780129241, ClinGen allele CA406373304.